The following is an entry in ClinVar:

NM_001267550.2(TTN):c.52460T>C (p.Met17487Thr)

Genes: TTN (titin; minus strand), TTN-AS1 (TTN antisense RNA 1; plus strand). Cytogenetic location: 2q31.2.
Variant type: single nucleotide variant.
Coding change: c.52460T>C on transcript NM_001267550.2 (MANE Select); coding-DNA position 52460, T replaced by C.
Protein change: p.Met17487Thr; replaces methionine 17487 with threonine.
Molecular consequence: missense variant.
Genome position (GRCh38, 1-based): chr2:178,608,423, A>G on the plus strand (T>C on the coding strand, the complement: TTN is on the minus strand). VCF-style: chr2-178608423-A-G. GRCh37 (hg19) VCF-style: chr2-179473150-A-G.
Other names: c.47537T>C, p.Met15846Thr (NM_001256850.1); c.25265T>C, p.Met8422Thr (NM_003319.4); c.44756T>C, p.Met14919Thr (NM_133378.4); c.25640T>C, p.Met8547Thr (NM_133432.3); c.25841T>C, p.Met8614Thr (NM_133437.4); short protein forms M14919T, M15846T, M17487T, M8547T, M8422T, M8614T.
Identifiers: ClinVar variation 1792588 (VCV001792588.2), dbSNP rs371758040, ClinGen allele CA1993985.

ClinVar aggregate classification (germline): Uncertain significance (1 of 4 stars; one submission).

Conditions:
Cardiovascular phenotype. Identifiers: MedGen CN230736.

Allele frequency attached by ClinVar (database versions not stated): ExAC 0.00002; gnomAD exomes 0.00003; ESP Exome Variant Server 0.00008.

Submission:

Ambry Genetics
Classification: Uncertain significance for Cardiovascular phenotype. Last evaluated: 2019-09-26. Review status: criteria provided, single submitter. Criteria: Ambry Variant Classification Scheme 2023. Collection method: clinical testing. Allele origin: germline.
Comment: The p.M8422T variant (also known as c.25265T>C), located in coding exon 102 of the TTN gene, results from a T to C substitution at nucleotide position 25265. The methionine at codon 8422 is replaced by threonine, an amino acid with similar properties. This amino acid position is highly conserved in available vertebrate species. In addition, the in silico prediction for this alteration is inconclusive. Since supporting evidence is limited at this time, the clinical significance of this alteration remains unclear.